The following is an entry in ClinVar:

NM_001267550.2(TTN):c.62994C>T (p.Tyr20998=)

Genes: TTN-AS1 (TTN antisense RNA 1; plus strand), TTN (titin; minus strand). Cytogenetic location: 2q31.2.
Variant type: single nucleotide variant.
Coding change: c.62994C>T on transcript NM_001267550.2 (MANE Select); coding-DNA position 62994, C replaced by T.
Protein change: p.Tyr20998=; no amino-acid change (tyrosine 20998 retained).
Molecular consequence: synonymous variant.
Genome position (GRCh38, 1-based): chr2:178,588,731, G>A on the plus strand (C>T on the coding strand, the complement: TTN is on the minus strand). VCF-style: chr2-178588731-G-A. GRCh37 (hg19) VCF-style: chr2-179453458-G-A.
Other names: c.58071C>T, p.Tyr19357= (NM_001256850.1); c.35799C>T, p.Tyr11933= (NM_003319.4); c.55290C>T, p.Tyr18430= (NM_133378.4); c.36174C>T, p.Tyr12058= (NM_133432.3); c.36375C>T, p.Tyr12125= (NM_133437.4).
Identifiers: ClinVar variation 47187 (VCV000047187.73), dbSNP rs375006117, ClinGen allele CA140264.

ClinVar aggregate classification (germline): Conflicting classifications of pathogenicity. Review status: criteria provided, conflicting classifications (1 of 4 stars). 20 submissions from 16 submitters: Uncertain significance (4); Benign (2); Likely benign (9). 5 of the submissions do not count toward it. Last evaluated 2026-09-01.

Conditions:
Cardiovascular phenotype. Identifiers: MedGen CN230736.
Autosomal recessive limb-girdle muscular dystrophy type 2J (LGMDR10). Also called: MUSCULAR DYSTROPHY, LIMB-GIRDLE, AUTOSOMAL RECESSIVE 10; Limb-girdle muscular dystrophy, type 2J. Identifiers: Orphanet 140922, MedGen C1837342, MONDO:0012127, OMIM 608807.
Dilated cardiomyopathy 1G (CMD1G). Identifiers: Orphanet 154, MedGen C1858763, MONDO:0011400, OMIM 604145.
Cardiomyopathy (CMYO). Also called: Cardiomyopathies. Identifiers: Orphanet 167848, MedGen C0878544, MONDO:0004994, HP:0001638. Inheritance: Various modes of inheritance.
Early-onset myopathy with fatal cardiomyopathy (CMYO5). Also called: CONGENITAL MYOPATHY 5 WITH CARDIOMYOPATHY; Salih Myopathy. Identifiers: Orphanet 289377, MedGen C2673677, MONDO:0012714, OMIM 611705. Disease mechanism: loss of function.
Myopathy, myofibrillar, 9, with early respiratory failure (MFM9). Also called: Myopathy, distal, with early respiratory failure, autosomal dominant; Hereditary myopathy with early respiratory failure; EDSTROM MYOPATHY; MYOPATHY, PROXIMAL, WITH EARLY RESPIRATORY MUSCLE INVOLVEMENT. Identifiers: Orphanet 178464, Orphanet 34521, MedGen C1863599, MONDO:0011362, OMIM 603689.
Tibial muscular dystrophy (TMD). Also called: Tibial muscular dystrophy, tardive; Udd Distal Myopathy – Tibial Muscular Dystrophy; UDD MYOPATHY. Identifiers: Orphanet 609, MedGen C1838244, MONDO:0010870, OMIM 600334.

Allele frequency attached by ClinVar (database versions not stated): gnomAD 0.00014 and 0.00016; ExAC 0.00022; TOPMed 0.00015; gnomAD exomes 0.00026 and 0.00019; ESP Exome Variant Server 0.00042.

Submissions (20):

CeGaT Center for Human Genetics Tuebingen
Classification: Likely benign. Last evaluated: 2026-09-01. Review status: criteria provided, single submitter. Criteria: CeGaT Center For Human Genetics Tuebingen Variant Classification Criteria Version 2. Collection method: clinical testing. Allele origin: germline. Affected: yes. Observed: 7 variant alleles.
Comment: TTN: BP4, BP7

Labcorp Genetics (formerly Invitae), Labcorp
Classification: Likely benign for Dilated cardiomyopathy 1G; Autosomal recessive limb-girdle muscular dystrophy type 2J. Last evaluated: 2026-01-28. Review status: criteria provided, single submitter. Criteria: Invitae Variant Classification Sherloc (09022015). Collection method: clinical testing. Allele origin: germline.

Molecular Diagnostic Laboratory for Inherited Cardiovascular Disease, Montreal Heart Institute
Classification: Likely benign. Last evaluated: 2025-07-24. Review status: criteria provided, single submitter. Criteria: ACMG Guidelines, 2015. Collection method: clinical testing. Allele origin: germline. Affected: no.
Comment: BP7

Blueprint Genetics
Classification: Likely benign. Last evaluated: 2024-11-26. Review status: criteria provided, single submitter. Criteria: ACMG Guidelines, 2015. Collection method: clinical testing. Allele origin: germline.

CHEO Genetics Diagnostic Laboratory, Children's Hospital of Eastern Ontario
Classification: Likely benign for Cardiomyopathy. Last evaluated: 2022-02-25. Review status: criteria provided, single submitter. Criteria: ACMG Guidelines, 2015. Collection method: clinical testing. Allele origin: germline.

Athena Diagnostics
Classification: Likely benign. Last evaluated: 2020-07-14. Review status: criteria provided, single submitter. Criteria: Athena Diagnostics Criteria. Collection method: clinical testing. Allele origin: unknown.

GeneDx
Classification: Likely benign. Last evaluated: 2019-11-27. Review status: criteria provided, single submitter. Criteria: GeneDx Variant Classification Process June 2021. Collection method: clinical testing. Allele origin: germline. Affected: yes.
Comment: This variant is associated with the following publications: (PMID: 24503780)

Illumina Laboratory Services, Illumina
Classification: Uncertain significance for Autosomal recessive limb-girdle muscular dystrophy type 2J. Last evaluated: 2018-01-12. Review status: criteria provided, single submitter. Criteria: ICSL Variant Classification Criteria 13 December 2019. Collection method: clinical testing. Allele origin: germline.

Illumina Laboratory Services, Illumina
Classification: Benign for Myopathy, myofibrillar, 9, with early respiratory failure. Last evaluated: 2018-01-12. Review status: criteria provided, single submitter. Criteria: ICSL Variant Classification Criteria 13 December 2019. Collection method: clinical testing. Allele origin: germline.
Comment: This variant was observed in the ICSL laboratory as part of a predisposition screen in an ostensibly healthy population. It had not been previously curated by ICSL or reported in the Human Gene Mutation Database (HGMD: prior to June 1st, 2018), and was therefore a candidate for classification through an automated scoring system. Utilizing variant allele frequency, disease prevalence and penetrance estimates, and inheritance mode, an automated score was calculated to assess if this variant is too frequent to cause the disease. Based on the score and internal cut-off values, a variant classified as benign is not then subjected to further curation. The score for this variant resulted in a classification of benign for this disease.

Illumina Laboratory Services, Illumina
Classification: Uncertain significance for Dilated cardiomyopathy 1G. Last evaluated: 2018-01-12. Review status: criteria provided, single submitter. Criteria: ICSL Variant Classification Criteria 13 December 2019. Collection method: clinical testing. Allele origin: germline.

Illumina Laboratory Services, Illumina
Classification: Benign for Tibial muscular dystrophy. Last evaluated: 2018-01-12. Review status: criteria provided, single submitter. Criteria: ICSL Variant Classification Criteria 13 December 2019. Collection method: clinical testing. Allele origin: germline.
Comment: the same text as in the submission from Illumina Laboratory Services, Illumina above.

Illumina Laboratory Services, Illumina
Classification: Uncertain significance for Early-onset myopathy with fatal cardiomyopathy. Last evaluated: 2018-01-12. Review status: criteria provided, single submitter. Criteria: ICSL Variant Classification Criteria 13 December 2019. Collection method: clinical testing. Allele origin: germline.

Eurofins Ntd Llc (ga)
Classification: Uncertain significance. Last evaluated: 2017-06-13. Review status: criteria provided, single submitter. Criteria: EGL Classification Definitions 2015. Collection method: clinical testing. Allele origin: germline. Observed: 2 variant alleles, 2 heterozygotes.

Ambry Genetics
Classification: Likely benign for Cardiovascular phenotype. Last evaluated: 2017-02-22. Review status: criteria provided, single submitter. Criteria: Ambry Variant Classification Scheme 2023. Collection method: clinical testing. Allele origin: germline.

Laboratory for Molecular Medicine, Mass General Brigham Personalized Medicine
Classification: Likely benign. Last evaluated: 2012-03-19. Review status: criteria provided, single submitter. Criteria: LMM Criteria. Collection method: clinical testing. Allele origin: germline. Observed: 2 variant alleles.
Comment: Tyr18430Tyr in exon 253 of TTN: This variant is not expected to have clinical si gnificance because it does not alter an amino acid residue and is not located wi thin the splice consensus sequence. It has been identified in 3/6618 European Am erican chromosomes from a broad population by the NHLBI Exome Sequencing Project. Tyr18430Tyr in exon 253 of TTN (allele fre quency = 3/6618) **

Clinical Genetics DNA and cytogenetics Diagnostics Lab, Erasmus MC, Erasmus Medical Center
Classification: Likely benign. Review status: no assertion criteria provided. Collection method: clinical testing. Allele origin: germline. Affected: yes. Study: VKGL Data-share Consensus. Not counted in ClinVar's aggregate classification.

Clinical Genetics, Academic Medical Center
Classification: Benign. Review status: no assertion criteria provided. Collection method: clinical testing. Allele origin: germline. Affected: yes. Study: VKGL Data-share Consensus. Not counted in ClinVar's aggregate classification.

Diagnostic Laboratory, Department of Genetics, University Medical Center Groningen
Classification: Likely benign. Review status: no assertion criteria provided. Collection method: clinical testing. Allele origin: germline. Affected: yes. Study: VKGL Data-share Consensus. Not counted in ClinVar's aggregate classification.

Genome Diagnostics Laboratory, University Medical Center Utrecht
Classification: Likely benign. Review status: no assertion criteria provided. Collection method: clinical testing. Allele origin: germline. Affected: yes. Study: VKGL Data-share Consensus. Not counted in ClinVar's aggregate classification.

Joint Genome Diagnostic Labs from Nijmegen and Maastricht, Radboudumc and MUMC+
Classification: Benign. Review status: no assertion criteria provided. Collection method: clinical testing. Allele origin: germline. Affected: yes. Study: VKGL Data-share Consensus. Not counted in ClinVar's aggregate classification.

Literature cited by the submitters: PubMed 24503780 (cited by Athena Diagnostics).